The following is an entry in ClinVar:

NM_004380.3(CREBBP):c.4674A>G (p.Gln1558=)

Gene: CREBBP (CREB binding lysine acetyltransferase; minus strand). Cytogenetic location: 16p13.3.
Variant type: single nucleotide variant.
Coding change: c.4674A>G on transcript NM_004380.3 (MANE Select); coding-DNA position 4674, A replaced by G.
Protein change: p.Gln1558=; no amino-acid change (glutamine 1558 retained).
Molecular consequence: synonymous variant.
Genome position (GRCh38, 1-based): chr16:3,736,090, T>C on the plus strand (A>G on the coding strand, the complement: CREBBP is on the minus strand). VCF-style: chr16-3736090-T-C. GRCh37 (hg19) VCF-style: chr16-3786091-T-C.
Other names: c.4560A>G, p.Gln1520= (NM_001079846.1); c.4674A>G (NM_004380.2).
Identifiers: ClinVar variation 594109 (VCV000594109.12), dbSNP rs770241645, ClinGen allele CA7869470.
Genomic context (GRCh38, chr16:3,736,090, plus strand): 5'-CTGTACCTCAGTGGTTTCACTGGCTGCAGTGCTCTCTTCCTTTTTCCTCTCCTCTTCTTC[T>C]TGTTCTAGTTCCTTAATGCTCTCTTCTAACACATTGGGCCAGAAATCACCTTCAAAATAG-3'
Protein context (NP_004371.2, residues 1548-1568): VLEESIKELE[Gln1558=]EEEERKKEES

ClinVar aggregate classification (germline): Conflicting classifications of pathogenicity. Review status: criteria provided, conflicting classifications (1 of 4 stars). 3 submissions from 3 submitters: Uncertain significance (1); Likely benign (2). Last evaluated 2025-03-03.

Conditions:
Rubinstein-Taybi syndrome (RSTS). Identifiers: Orphanet 783, MedGen C0035934, MONDO:0019188.
CREBBP-related disorder. Also called: CREBBP-related disorders; CREBBP-related condition.

Allele frequency attached by ClinVar (database versions not stated): TOPMed 0.00001; ExAC 0.00002; gnomAD exomes 0.00003.
gnomAD v4.1: 8 of 1,614,238 alleles (0.0005%); highest among the groups gnomAD compares: Admixed American, 0.013%; no homozygotes.

Submissions (3):

PreventionGenetics, part of Exact Sciences
Classification: Likely benign for CREBBP-related condition. Last evaluated: 2025-03-03. Review status: criteria provided, single submitter. Criteria: ACMG Guidelines, 2015. Collection method: clinical testing. Allele origin: germline.
Comment: This variant is classified as likely benign based on ACMG/AMP sequence variant interpretation guidelines (Richards et al. 2015 PMID: 25741868, with internal and published modifications).

Labcorp Genetics (formerly Invitae), Labcorp
Classification: Likely benign for Rubinstein-Taybi syndrome. Last evaluated: 2023-01-09. Review status: criteria provided, single submitter. Criteria: Invitae Variant Classification Sherloc (09022015). Collection method: clinical testing. Allele origin: germline.

Eurofins Ntd Llc (ga)
Classification: Uncertain significance. Last evaluated: 2017-09-25. Review status: criteria provided, single submitter. Criteria: EGL Classification Definitions 2015. Collection method: clinical testing. Allele origin: germline. Observed: 1 variant allele, 1 heterozygote.